The following is an entry in ClinVar:

NM_006516.4(SLC2A1):c.276-19C>T

Gene: SLC2A1 (solute carrier family 2 member 1; minus strand). Cytogenetic location: 1p34.2.
Variant type: single nucleotide variant.
Coding change: c.276-19C>T on transcript NM_006516.4 (MANE Select); 19 bases into the intron before coding-DNA position 276, C replaced by T.
Molecular consequence: intron variant.
Genome position (GRCh38, 1-based): chr1:42,930,885, G>A on the plus strand (C>T on the coding strand, the complement: SLC2A1 is on the minus strand). VCF-style: chr1-42930885-G-A. GRCh37 (hg19) VCF-style: chr1-43396556-G-A.
Identifiers: ClinVar variation 207182 (VCV000207182.10), dbSNP rs74945664, ClinGen allele CA318414.

ClinVar aggregate classification (germline): Benign/Likely benign. Review status: criteria provided, multiple submitters, no conflicts (2 of 4 stars). 8 submissions from 4 submitters: Benign (6); Likely benign (2). Last evaluated 2025-08-09.

Conditions:
Hereditary cryohydrocytosis with reduced stomatin. Also called: Stomatin-deficient cryohydrocytosis with neurologic defects; GLUT1 DEFICIENCY SYNDROME WITH PSEUDOHYPERKALEMIA AND HEMOLYSIS. Identifiers: Orphanet 168577, MedGen C1837206, MONDO:0012143, OMIM 608885.
Dystonia 9 (DYT9). Also called: CHOREOATHETOSIS, KINESIGENIC, WITH EPISODIC ATAXIA AND SPASTICITY. Identifiers: Orphanet 53583, MedGen C1832855, MONDO:0010983, OMIM 601042.
Epilepsy, idiopathic generalized, susceptibility to, 12 (EIG12). Identifiers: MedGen C3553859, MONDO:0013919, OMIM 614847.
Childhood onset GLUT1 deficiency syndrome 2. Also called: PxMD-SLC2A1; Exertion-induced paroxysmal dyskinesia; Paroxysmal exercise-induced dystonia; PAROXYSMAL EXERCISE-INDUCED DYSKINESIA WITH OR WITHOUT EPILEPSY AND/OR HEMOLYTIC ANEMIA; PAROXYSMAL EXERTION-INDUCED DYSTONIA WITH OR WITHOUT EPILEPSY AND/OR HEMOLYTIC ANEMIA; PED WITH OR WITHOUT EPILEPSY AND/OR HEMOLYTIC ANEMIA. Identifiers: Orphanet 98811, MedGen C1842534, MONDO:0012805, OMIM 612126.
GLUT1 deficiency syndrome 1, autosomal recessive. Identifiers: MedGen C3149117.
Encephalopathy due to GLUT1 deficiency. Also called: Glucose transporter protein syndrome; GLUT1 deficiency syndrome 1, infantile onset, severe; GLUCOSE TRANSPORT DEFECT, BLOOD-BRAIN BARRIER; De Vivo disease; GLUT1 deficiency syndrome 1; Classic Glucose Transporter Type 1 Deficiency Syndrome. Identifiers: Orphanet 71277, MedGen C4551966, MONDO:0011724, OMIM 606777.

Allele frequency attached by ClinVar (database versions not stated): ExAC 0.00003; gnomAD 0.00004; gnomAD exomes 0.00006; TOPMed 0.00006; ESP Exome Variant Server 0.00008.
gnomAD v4.1: 96 of 1,601,688 alleles (0.006%); highest among the groups gnomAD compares: Middle Eastern, 0.28%; no homozygotes.

Submissions (8):

Labcorp Genetics (formerly Invitae), Labcorp
Classification: Likely benign for GLUT1 deficiency syndrome 1, autosomal recessive. Last evaluated: 2025-08-09. Review status: criteria provided, single submitter. Criteria: Invitae Variant Classification Sherloc (09022015). Collection method: clinical testing. Allele origin: germline.

Blueprint Genetics
Classification: Likely benign. Last evaluated: 2024-11-22. Review status: criteria provided, single submitter. Criteria: ACMG Guidelines, 2015. Collection method: clinical testing. Allele origin: germline.

Genome-Nilou Lab
Classification: Benign for Epilepsy, idiopathic generalized, susceptibility to, 12. Last evaluated: 2023-04-11. Review status: criteria provided, single submitter. Criteria: ACMG Guidelines, 2015. Collection method: clinical testing. Allele origin: germline. Affected: no.

Genome-Nilou Lab
Classification: Benign for Dystonia 9. Last evaluated: 2023-04-11. Review status: criteria provided, single submitter. Criteria: ACMG Guidelines, 2015. Collection method: clinical testing. Allele origin: germline. Affected: no.

Genome-Nilou Lab
Classification: Benign for Encephalopathy due to GLUT1 deficiency. Last evaluated: 2023-04-11. Review status: criteria provided, single submitter. Criteria: ACMG Guidelines, 2015. Collection method: clinical testing. Allele origin: germline. Affected: no.

Genome-Nilou Lab
Classification: Benign for Childhood onset GLUT1 deficiency syndrome 2. Last evaluated: 2023-04-11. Review status: criteria provided, single submitter. Criteria: ACMG Guidelines, 2015. Collection method: clinical testing. Allele origin: germline. Affected: no.

Genome-Nilou Lab
Classification: Benign for Hereditary cryohydrocytosis with reduced stomatin. Last evaluated: 2023-04-11. Review status: criteria provided, single submitter. Criteria: ACMG Guidelines, 2015. Collection method: clinical testing. Allele origin: germline. Affected: no.

GeneDx
Classification: Benign. Last evaluated: 2014-12-29. Review status: criteria provided, single submitter. Criteria: GeneDx Variant Classification (06012015). Collection method: clinical testing. Allele origin: germline. Affected: yes.
Comment: This variant is considered likely benign or benign based on one or more of the following criteria: it is a conservative change, it occurs at a poorly conserved position in the protein, it is predicted to be benign by multiple in silico algorithms, and/or has population frequency not consistent with disease.